The following is an entry in ClinVar:

ClinVar aggregate classification (germline): Uncertain significance. Review status: criteria provided, multiple submitters, no conflicts (2 of 4 stars). 2 submissions from 2 submitters: Uncertain significance (2). Last evaluated 2025-11-12.

Allele frequency attached by ClinVar (database versions not stated): gnomAD exomes 0.00010 and 0.00013; TOPMed 0.00004; gnomAD 0.00008 and 0.00006; ExAC 0.00013.
gnomAD v4.1: 158 of 1,541,234 alleles (0.01%); highest among the groups gnomAD compares: South Asian, 0.055%; no homozygotes.

Submissions (2):

Ambry Genetics
Classification: Uncertain significance. Last evaluated: 2025-11-12. Review status: criteria provided, single submitter. Criteria: Ambry Variant Classification Scheme 2023. Collection method: clinical testing. Allele origin: germline.

Labcorp Genetics (formerly Invitae), Labcorp
Classification: Uncertain significance. Last evaluated: 2022-10-13. Review status: criteria provided, single submitter. Criteria: Invitae Variant Classification Sherloc (09022015). Collection method: clinical testing. Allele origin: germline.
Comment: This sequence change replaces arginine, which is basic and polar, with tryptophan, which is neutral and slightly polar, at codon 443 of the CLCC1 protein (p.Arg443Trp). This variant is present in population databases (rs778267768, gnomAD 0.06%). This variant has not been reported in the literature in individuals affected with CLCC1-related conditions. ClinVar contains an entry for this variant (Variation ID: 843901). Algorithms developed to predict the effect of missense changes on protein structure and function are either unavailable or do not agree on the potential impact of this missense change (SIFT: "Deleterious"; PolyPhen-2: "Probably Damaging"; Align-GVGD: "Class C0"). In summary, the available evidence is currently insufficient to determine the role of this variant in disease. Therefore, it has been classified as a Variant of Uncertain Significance.

NM_001377458.1(CLCC1):c.1327C>T (p.Arg443Trp)

Gene: CLCC1 (chloride channel CLIC like 1; minus strand). Cytogenetic location: 1p13.3.
Variant type: single nucleotide variant.
Coding change: c.1327C>T on transcript NM_001377458.1 (MANE Select); coding-DNA position 1327, C replaced by T.
Protein change: p.Arg443Trp; replaces arginine 443 with tryptophan.
Molecular consequence: missense variant. On other transcripts: non-coding transcript variant (1).
Genome position (GRCh38, 1-based): chr1:108,937,133, G>A on the plus strand (C>T on the coding strand, the complement: CLCC1 is on the minus strand). VCF-style: chr1-108937133-G-A. GRCh37 (hg19) VCF-style: chr1-109479755-G-A.
Other names: c.1327C>T (NM_001048210.1); c.1327C>T, p.Arg443Trp (NM_001048210.3, NM_001377459.1, NM_001377460.1 and 8 more transcripts); c.964C>T, p.Arg322Trp (NM_001278202.2); c.772C>T, p.Arg258Trp (NM_001278203.1); c.1225C>T, p.Arg409Trp (NM_001377469.1); c.1036C>T, p.Arg346Trp (NM_001377470.1); c.1177C>T, p.Arg393Trp (NM_015127.5); short protein forms R258W, R346W, R393W, R322W, R443W, R409W.
Identifiers: ClinVar variation 843901 (VCV000843901.8), dbSNP rs778267768, ClinGen allele CA983357.